The following is an entry in ClinVar:

NM_001267550.2(TTN):c.68269del (p.His22757fs)

Genes: TTN (titin; minus strand), TTN-AS1 (TTN antisense RNA 1; plus strand), LOC126806423 (CDK7 strongly-dependent group 2 enhancer GRCh37_chr2:179443309-179444508; plus strand). Cytogenetic location: 2q31.2.
Variant type: Deletion.
Coding change: c.68269del on transcript NM_001267550.2 (MANE Select); coding-DNA position 68269, one base deleted (C; older notation c.68269delC).
Protein change: p.His22757fs; shifts the reading frame from histidine 22757.
Molecular consequence: frameshift variant.
Genome position (GRCh38, 1-based): chr2:178,578,671, G deleted on the plus strand (C on the coding strand, the reverse complement: TTN is on the minus strand). VCF-style (leftmost placement, unchanged base first): chr2-178578670-TG-T. GRCh37 (hg19) VCF-style: chr2-179443397-TG-T.
Other names: c.63346del, p.His21116fs (NM_001256850.1); c.41074del, p.His13692fs (NM_003319.4); c.60565del, p.His20189fs (NM_133378.4); c.41449del, p.His13817fs (NM_133432.3); c.41650del, p.His13884fs (NM_133437.4); short protein forms H13692fs, H13884fs, H21116fs, H20189fs, H13817fs, H22757fs.
Identifiers: ClinVar variation 1512355 (VCV001512355.8), dbSNP rs2154174822, ClinGen allele CA2573134179.

ClinVar aggregate classification (germline): Likely pathogenic (1 of 4 stars; one submission).

Conditions:
Dilated cardiomyopathy 1G (CMD1G). Identifiers: Orphanet 154, MedGen C1858763, MONDO:0011400, OMIM 604145.
Autosomal recessive limb-girdle muscular dystrophy type 2J (LGMDR10). Also called: Limb-girdle muscular dystrophy, type 2J; MUSCULAR DYSTROPHY, LIMB-GIRDLE, AUTOSOMAL RECESSIVE 10. Identifiers: Orphanet 140922, MedGen C1837342, MONDO:0012127, OMIM 608807.

Submission:

Labcorp Genetics (formerly Invitae), Labcorp
Classification: Likely pathogenic for Dilated cardiomyopathy 1G; Autosomal recessive limb-girdle muscular dystrophy type 2J. Last evaluated: 2021-06-13. Review status: criteria provided, single submitter. Criteria: Invitae Variant Classification Sherloc (09022015). Collection method: clinical testing. Allele origin: germline.
Comment: In summary, the currently available evidence indicates that the variant is pathogenic, but additional data are needed to prove that conclusively. Therefore, this variant has been classified as Likely Pathogenic. This variant is located in the A band of TTN (PMID: 25589632). Truncating variants in this region are significantly overrepresented in patients affected with dilated cardiomyopathy (PMID: 25589632). Truncating variants in this region have also been reported in individuals affected with autosomal recessive centronuclear myopathy (PMID: 23975875). This variant has not been reported in the literature in individuals with TTN-related conditions. This variant is not present in population databases (ExAC no frequency). This sequence change creates a premature translational stop signal (p.His22757Thrfs*6) in the TTN gene. While this is not anticipated to result in nonsense mediated decay, it is expected to create a truncated TTN protein.

Literature cited by the submitters: PubMed 25589632; PubMed 23975875.